The following is an entry in ClinVar:

ClinVar aggregate classification (germline): Uncertain significance. Review status: criteria provided, multiple submitters, no conflicts (2 of 4 stars). 2 submissions from 2 submitters: Uncertain significance (2). Last evaluated 2024-11-02.

Conditions:
Intellectual disability, CASK-related, X-linked. Identifiers: MedGen CN043158.
Syndromic X-linked intellectual disability Najm type (MICPCH). Also called: Mental retardation and microcephaly with pontine and cerebellar hypoplasia; MENTAL RETARDATION, X-LINKED, SYNDROMIC, NAJM TYPE; Intellectual Disability and Microcephaly with Pontine and Cerebellar Hypoplasia; MICPCH SYNDROME; Intellectual developmental disorder and microcephaly with pontine and cerebellar hypoplasia; Intellectual Disability and Microcephaly with Pontine and Cerebellar Hypoplasia (MICPCH). Identifiers: Orphanet 163937, MedGen C2677903, MONDO:0010417, OMIM 300749.

Submissions (2):

Labcorp Genetics (formerly Invitae), Labcorp
Classification: Uncertain significance for Intellectual disability, CASK-related, X-linked. Last evaluated: 2024-11-02. Review status: criteria provided, single submitter. Criteria: Invitae Variant Classification Sherloc (09022015). Collection method: clinical testing. Allele origin: germline.
Comment: This sequence change replaces aspartic acid, which is acidic and polar, with glycine, which is neutral and non-polar, at codon 424 of the CASK protein (p.Asp424Gly). This variant is not present in population databases (gnomAD no frequency). This variant has not been reported in the literature in individuals affected with CASK-related conditions. ClinVar contains an entry for this variant (Variation ID: 3254660). Invitae Evidence Modeling of protein sequence and biophysical properties (such as structural, functional, and spatial information, amino acid conservation, physicochemical variation, residue mobility, and thermodynamic stability) indicates that this missense variant is not expected to disrupt CASK protein function with a negative predictive value of 80%. In summary, the available evidence is currently insufficient to determine the role of this variant in disease. Therefore, it has been classified as a Variant of Uncertain Significance.

Victorian Clinical Genetics Services, Murdoch Childrens Research Institute
Classification: Uncertain significance for Syndromic X-linked intellectual disability Najm type. Last evaluated: 2023-07-16. Review status: criteria provided, single submitter. Criteria: ACMG Guidelines, 2015. Collection method: clinical testing. Allele origin: germline. Inheritance: X-linked dominant inheritance. Affected: yes.
Comment: Based on the classification scheme VCGS_Germline_v1.3.4, this variant is classified as VUS-3B. Following criteria are met: 0102 - Loss of function is a known mechanism of disease in this gene and is associated with FG syndrome 4 (MIM#300422), intellectual developmental disorder and microcephaly with pontine and cerebellar hypoplasia (MIM#300749) and intellectual disability with or without nystagmus (MIM#300422). (I) 0110 - This gene is associated with X-linked dominant disease. (I) 0200 - Variant is predicted to result in a missense amino acid change from aspartic acid to glycine. (I) 0251 - This variant is heterozygous. (I) 0301 - Variant is absent from gnomAD (both v2 and v3). (SP) 0502 - Missense variant with conflicting in silico predictions and uninformative conservation. (I) 0600 - Variant is located in the annotated L27 domain (DECIPHER). (I) 0705 - No comparable missense variants have previous evidence for pathogenicity. (I) 0807 - This variant has no previous evidence of pathogenicity. (I) 0905 - No published segregation evidence has been identified for this variant. (I) 1007 - No published functional evidence has been identified for this variant. (I) 1208 - Inheritance information for this variant is not currently available in this individual. (I) Legend: (SP) - Supporting pathogenic, (I) - Information, (SB) - Supporting benign

NM_001367721.1(CASK):c.1271A>G (p.Asp424Gly)

Gene: CASK (calcium/calmodulin dependent serine protein kinase; minus strand). Cytogenetic location: Xp11.4.
Variant type: single nucleotide variant.
Coding change: c.1271A>G on transcript NM_001367721.1 (MANE Select); coding-DNA position 1271, A replaced by G.
Protein change: p.Asp424Gly; replaces aspartic acid 424 with glycine.
Molecular consequence: missense variant.
Genome position (GRCh38, 1-based): chrX:41,586,950, T>C on the plus strand (A>G on the coding strand, the complement: CASK is on the minus strand). VCF-style: chrX-41586950-T-C. GRCh37 (hg19) VCF-style: chrX-41446203-T-C.
Other names: c.1271A>G, p.Asp424Gly (NM_001126054.3, NM_003688.4); c.1253A>G, p.Asp418Gly (NM_001126055.3, NM_001410745.1); short protein forms D418G, D424G.
Identifiers: ClinVar variation 3254660 (VCV003254660.3), dbSNP rs2519844783.
Genomic context (GRCh38, chrX:41,586,950, plus strand): 5'-GTTTAATTATTACTTACCATGAAATGAGGTTGTGTTAAAATACGCTTTAGTTCCTTTGCG[T>C]CGTTATTCTCAGGGTAACATGAAATTTCTTCCAATACCTAAAAAATAAACAAGATATACA-3'
Protein context (NP_001354650.1, residues 414-434): EEISCYPENN[Asp424Gly]AKELKRILTQ